The following is an entry in ClinVar:

NM_001190274.2(FBXO11):c.123_146dup (p.Gln52_Gln53insProProProProProGlnGlnGln)

Genes: FBXO11 (F-box protein 11; minus strand), LOC100506235 (uncharacterized LOC100506235; plus strand). Cytogenetic location: 2p16.3.
Variant type: Duplication.
Coding change: c.123_146dup on transcript NM_001190274.2 (MANE Select); coding-DNA positions 123 to 146, 24 bases duplicated (CCAGCAGCAGCCTCCGCCGCCGCC).
Protein change: p.Gln52_Gln53insProProProProProGlnGlnGln.
Molecular consequence: non-coding transcript variant (on NR_187636.1).
Genome position (GRCh38, 1-based): chr2:47,905,575-47,905,598, GGCGGCGGCGGAGGCTGCTGCTGG duplicated on the plus strand (CCAGCAGCAGCCTCCGCCGCCGCC on the coding strand, the reverse complement: FBXO11 is on the minus strand); duplicating any 24 consecutive bases within chr2:47,905,575-47,905,604 gives the same sequence; the c. name uses the placement nearest the transcript's 3' end. VCF-style (leftmost placement, unchanged base first): chr2-47905574-C-CGGCGGCGGCGGAGGCTGCTGCTGG. GRCh37 (hg19) VCF-style: chr2-48132713-C-CGGCGGCGGCGGAGGCTGCTGCTGG.
Identifiers: ClinVar variation 2062940 (VCV002062940.4), dbSNP rs1209566583, ClinGen allele CA1030312676.

ClinVar aggregate classification (germline): Uncertain significance (1 of 4 stars; one submission).

Submission:

Labcorp Genetics (formerly Invitae), Labcorp
Classification: Uncertain significance. Last evaluated: 2022-07-13. Review status: criteria provided, single submitter. Criteria: Invitae Variant Classification Sherloc (09022015). Collection method: clinical testing. Allele origin: germline.
Comment: This variant, c.123_146dup, results in the insertion of 8 amino acid(s) of the FBXO11 protein (p.Pro45_Gln52dup), but otherwise preserves the integrity of the reading frame. This variant is not present in population databases (gnomAD no frequency). This variant has not been reported in the literature in individuals affected with FBXO11-related conditions. In summary, the available evidence is currently insufficient to determine the role of this variant in disease. Therefore, it has been classified as a Variant of Uncertain Significance.